The following is an entry in ClinVar:

ClinVar aggregate classification (germline): Uncertain significance (1 of 4 stars; one submission).

Conditions:
Cardiomyopathy (CMYO). Also called: Cardiomyopathies. Identifiers: Orphanet 167848, MedGen C0878544, MONDO:0004994, HP:0001638. Inheritance: Various modes of inheritance.

Submission:

All of Us Research Program, National Institutes of Health
Classification: Uncertain significance for Cardiomyopathy. Last evaluated: 2023-09-17. Review status: criteria provided, single submitter. Criteria: ACMG Guidelines, 2015. Collection method: clinical testing. Allele origin: germline. Inheritance: Autosomal dominant inheritance. Observed: 1 variant allele, 1 heterozygote.
Comment: This missense variant replaces histidine with tyrosine at codon 1524 of the MYH7 protein. Computational prediction suggests that this variant may have deleterious impact on protein structure and function (internally defined REVEL score threshold >= 0.7, PMID: 27666373). To our knowledge, functional studies have not been reported for this variant. This variant has not been reported in individuals affected with MYH7-related disorders in the literature. This variant has not been identified in the general population by the Genome Aggregation Database (gnomAD). The available evidence is insufficient to determine the role of this variant in disease conclusively. Therefore, this variant is classified as a Variant of Uncertain Significance.

This study involves interpretation of variants in research participants for the purpose of population health screening. Participant phenotype was not available at the time of variant classification. Additional details can be found in publication PMID: 35346344, PMCID: PMC8962531

NM_000257.4(MYH7):c.4570C>T (p.His1524Tyr)

Genes: MHRT (myosin heavy chain associated RNA transcript; plus strand), MYH7 (myosin heavy chain 7; minus strand). Cytogenetic location: 14q11.2.
Variant type: single nucleotide variant.
Coding change: c.4570C>T on transcript NM_000257.4 (MANE Select); coding-DNA position 4570, C replaced by T.
Protein change: p.His1524Tyr; replaces histidine 1524 with tyrosine.
Molecular consequence: missense variant. On other transcripts: non-coding transcript variant (1).
Genome position (GRCh38, 1-based): chr14:23,416,942, G>A on the plus strand (C>T on the coding strand, the complement: MYH7 is on the minus strand). VCF-style: chr14-23416942-G-A. GRCh37 (hg19) VCF-style: chr14-23886151-G-A.
Other names: c.4570C>T, p.His1524Tyr (NM_001407004.1); short protein forms H1524Y.
Identifiers: ClinVar variation 3073427 (VCV003073427.1), dbSNP rs2502248641, ClinGen allele CA389038119.